The following is an entry in ClinVar:

ClinVar aggregate classification (germline): Uncertain significance. Review status: criteria provided, multiple submitters, no conflicts (2 of 4 stars). 2 submissions from 2 submitters: Uncertain significance (2). Last evaluated 2025-09-02.

Conditions:
Hereditary cancer-predisposing syndrome. Also called: Neoplastic Syndromes, Hereditary; Hereditary neoplastic syndrome; Hereditary Cancer Syndrome; Tumor predisposition. Identifiers: Orphanet 140162, MedGen C0027672, MeSH D009386, MONDO:0015356.

Submissions (2):

Ambry Genetics
Classification: Uncertain significance for Hereditary cancer-predisposing syndrome. Last evaluated: 2025-09-02. Review status: criteria provided, single submitter. Criteria: Ambry Variant Classification Scheme 2023. Collection method: clinical testing. Allele origin: germline.
Comment: The p.A590D variant (also known as c.1769C>A), located in coding exon 5 of the PALB2 gene, results from a C to A substitution at nucleotide position 1769. The alanine at codon 590 is replaced by aspartic acid, an amino acid with dissimilar properties. This amino acid position is conserved. In addition, this alteration is predicted to be tolerated by in silico analysis. Based on the available evidence, the clinical significance of this variant remains unclear.

GeneDx
Classification: Uncertain significance. Last evaluated: 2022-06-29. Review status: criteria provided, single submitter. Criteria: GeneDx Variant Classification Process June 2021. Collection method: clinical testing. Allele origin: germline. Affected: yes.
Comment: Not observed at significant frequency in large population cohorts (gnomAD); In silico analysis supports that this missense variant does not alter protein structure/function; Has not been previously published as pathogenic or benign to our knowledge

NM_024675.4(PALB2):c.1769C>A (p.Ala590Asp)

Gene: PALB2 (partner and localizer of BRCA2; minus strand). Cytogenetic location: 16p12.2.
Variant type: single nucleotide variant.
Coding change: c.1769C>A on transcript NM_024675.4 (MANE Select); coding-DNA position 1769, C replaced by A.
Protein change: p.Ala590Asp; replaces alanine 590 with aspartic acid.
Molecular consequence: missense variant.
Genome position (GRCh38, 1-based): chr16:23,630,385, G>T on the plus strand (C>A on the coding strand, the complement: PALB2 is on the minus strand). VCF-style: chr16-23630385-G-T. GRCh37 (hg19) VCF-style: chr16-23641706-G-T.
Other names: c.1709C>A, p.Ala570Asp (NM_001407296.1); c.1769C>A, p.Ala590Asp (NM_001407297.1, NM_001407298.1, NM_001407299.1 and 3 more transcripts); c.884C>A, p.Ala295Asp (NM_001407304.1, NM_001407305.1, NM_001407306.1 and 5 more transcripts); c.-20C>A (NM_001407312.1, NM_001407313.1); short protein forms A295D, A570D, A590D.
Identifiers: ClinVar variation 1810143 (VCV001810143.2), dbSNP rs1966866430, ClinGen allele CA395128190.